The following is an entry in ClinVar:

NM_153676.4(USH1C):c.1086-42G>A

Gene: USH1C (USH1 protein network component harmonin; minus strand). Cytogenetic location: 11p15.1.
Variant type: single nucleotide variant.
Coding change: c.1086-42G>A on transcript NM_153676.4 (MANE Select); 42 bases into the intron before coding-DNA position 1086, G replaced by A.
Molecular consequence: intron variant.
Genome position (GRCh38, 1-based): chr11:17,521,036, C>T on the plus strand (G>A on the coding strand, the complement: USH1C is on the minus strand). VCF-style: chr11-17521036-C-T. GRCh37 (hg19) VCF-style: chr11-17542583-C-T.
Other names: c.1029-42G>A (NM_001297764.2); c.1086-42G>A (NM_005709.4).
Identifiers: ClinVar variation 670416 (VCV000670416.5), dbSNP rs2108332, ClinGen allele CA5904711.

ClinVar aggregate classification (germline): Benign. Review status: criteria provided, multiple submitters, no conflicts (2 of 4 stars). 4 submissions from 3 submitters: Benign (4). Last evaluated 2021-07-10.

Conditions:
Autosomal recessive nonsyndromic hearing loss 18A. Also called: DEAFNESS, AUTOSOMAL RECESSIVE 18; Deafness, autosomal recessive 18A. Identifiers: Orphanet 90636, MedGen C1865870, MONDO:0011192, OMIM 602092.
Usher syndrome type 1C. Also called: USHER SYNDROME, TYPE I, ACADIAN VARIETY. Identifiers: Orphanet 231169, Orphanet 886, MedGen C1848604, MONDO:0010171, OMIM 276904.

Allele frequency attached by ClinVar (database versions not stated): gnomAD 0.57949 and 0.57242; 1000 Genomes Project 30x 0.60665; gnomAD exomes 0.60710 and 0.61608; 1000 Genomes Project 0.61402; ExAC 0.61596; ESP Exome Variant Server 0.56723; TOPMed 0.57582.
gnomAD v4.1: 972,070 of 1,607,980 alleles (60%); highest among the groups gnomAD compares: South Asian, 72%; 296,013 homozygotes.

Submissions (4):

Genome-Nilou Lab
Classification: Benign for Usher syndrome type 1C. Last evaluated: 2021-07-10. Review status: criteria provided, single submitter. Criteria: ACMG Guidelines, 2015. Collection method: clinical testing. Allele origin: germline. Affected: no.

Genome-Nilou Lab
Classification: Benign for Autosomal recessive nonsyndromic hearing loss 18A. Last evaluated: 2021-07-10. Review status: criteria provided, single submitter. Criteria: ACMG Guidelines, 2015. Collection method: clinical testing. Allele origin: germline. Affected: no.

GeneDx
Classification: Benign. Last evaluated: 2018-06-14. Review status: criteria provided, single submitter. Criteria: GeneDx Variant Classification (06012015). Collection method: clinical testing. Allele origin: germline. Affected: yes.
Comment: This variant is considered likely benign or benign based on one or more of the following criteria: it is a conservative change, it occurs at a poorly conserved position in the protein, it is predicted to be benign by multiple in silico algorithms, and/or has population frequency not consistent with disease.

Breakthrough Genomics
Classification: Benign. Review status: criteria provided, single submitter. Criteria: ACMG Guidelines, 2015. Collection method: not provided. Allele origin: germline. Inheritance: Autosomal recessive inheritance. Affected: yes.